The following is an entry in ClinVar:

ClinVar aggregate classification (germline): Uncertain significance (1 of 4 stars; one submission).

Conditions:
Combined immunodeficiency due to DOCK8 deficiency (HIES2). Also called: DOCK8 Deficiency; HIES autosomal recessive; Hyper-IgE recurrent infection syndrome, autosomal recessive; HYPER-IgE RECURRENT INFECTION SYNDROME 2, AUTOSOMAL RECESSIVE; HYPER-IgE SYNDROME 2, AUTOSOMAL RECESSIVE, WITH RECURRENT INFECTIONS. Identifiers: Orphanet 217390, MedGen C4722305, MONDO:0009478, OMIM 243700.

Submission:

Labcorp Genetics (formerly Invitae), Labcorp
Classification: Uncertain significance for Combined immunodeficiency due to DOCK8 deficiency. Last evaluated: 2019-10-16. Review status: criteria provided, single submitter. Criteria: Invitae Variant Classification Sherloc (09022015). Collection method: clinical testing. Allele origin: germline.
Comment: This variant results in a copy number gain of the genomic region encompassing exons 1-10 of the DOCK8 gene, which includes the initiator codon. The 5' end of this event is unknown as it extends beyond the assayed region for this gene and therefore may encompass additional genes. The 3' boundary is likely confined to intron 10 of the DOCK8 gene. As the precise location of this event is unknown, it may be in tandem or it may be located elsewhere in the genome. This variant has not been reported in the literature in individuals with DOCK8-related conditions. Experimental studies and prediction algorithms are not available or were not evaluated, and the functional significance of this variant is currently unknown. In summary, the available evidence is currently insufficient to determine the role of this variant in disease. Therefore, it has been classified as a Variant of Uncertain Significance.

NC_000009.12:g.(?_214957)_(332498_?)dup

Genes: DOCK8 (dedicator of cytokinesis 8; plus strand), DOCK8-AS1 (DOCK8 antisense RNA 1; minus strand). Cytogenetic location: 9p24.3.
Variant type: Duplication.
Identifiers: ClinVar variation 833200 (VCV000833200.9).